The following is an entry in ClinVar:

ClinVar aggregate classification (germline): Uncertain significance (1 of 4 stars; one submission).

Submission:

Labcorp Genetics (formerly Invitae), Labcorp
Classification: Uncertain significance. Last evaluated: 2023-09-07. Review status: criteria provided, single submitter. Criteria: Invitae Variant Classification Sherloc (09022015). Collection method: clinical testing. Allele origin: germline.
Comment: In summary, the available evidence is currently insufficient to determine the role of this variant in disease. Therefore, it has been classified as a Variant of Uncertain Significance. Algorithms developed to predict the effect of missense changes on protein structure and function output the following: SIFT: "Not Available"; PolyPhen-2: "Benign"; Align-GVGD: "Not Available". The valine amino acid residue is found in multiple mammalian species, which suggests that this missense change does not adversely affect protein function. This variant has not been reported in the literature in individuals affected with KLF10-related conditions. This variant is not present in population databases (gnomAD no frequency). This sequence change replaces isoleucine, which is neutral and non-polar, with valine, which is neutral and non-polar, at codon 200 of the KLF10 protein (p.Ile200Val).

NM_005655.4(KLF10):c.598A>G (p.Ile200Val)

Gene: KLF10 (KLF transcription factor 10; minus strand). Cytogenetic location: 8q22.3.
Variant type: single nucleotide variant.
Coding change: c.598A>G on transcript NM_005655.4 (MANE Select); coding-DNA position 598, A replaced by G.
Protein change: p.Ile200Val; replaces isoleucine 200 with valine.
Molecular consequence: missense variant.
Genome position (GRCh38, 1-based): chr8:102,651,734, T>C on the plus strand (A>G on the coding strand, the complement: KLF10 is on the minus strand). VCF-style: chr8-102651734-T-C. GRCh37 (hg19) VCF-style: chr8-103663962-T-C.
Other names: c.565A>G, p.Ile189Val (NM_001032282.4); short protein forms I189V, I200V.
Identifiers: ClinVar variation 3017755 (VCV003017755.3), dbSNP rs2537071289, ClinGen allele CA371627882.
Genomic context (GRCh38, chr8:102,651,734, plus strand): 5'-CATCTGCCACTGTGTTTCTCTCACATTTGGATCTGTTTGGTGACACAGCGGCACATGGTA[T>C]GTTCTTTCTTGCAGCCTCAACATTTAGGTGGGTTCTTCTTCTAAAAGAATTGTTCTGATA-3'
Protein context (NP_005646.1, residues 190-210): HLNVEAARKN[Ile200Val]PCAAVSPNRS